The following is an entry in ClinVar:

NM_138694.4(PKHD1):c.5036G>A (p.Gly1679Glu)

Genes: PKHD1 (PKHD1 ciliary IPT domain containing fibrocystin/polyductin; minus strand), LOC126859690 (MED14-independent group 3 enhancer GRCh37_chr6:51888848-51890047; plus strand). Cytogenetic location: 6p12.2.
Variant type: single nucleotide variant.
Coding change: c.5036G>A on transcript NM_138694.4 (MANE Select); coding-DNA position 5036, G replaced by A.
Protein change: p.Gly1679Glu; replaces glycine 1679 with glutamic acid.
Molecular consequence: missense variant.
Genome position (GRCh38, 1-based): chr6:52,024,774, C>T on the plus strand (G>A on the coding strand, the complement: PKHD1 is on the minus strand). VCF-style: chr6-52024774-C-T. GRCh37 (hg19) VCF-style: chr6-51889572-C-T.
Other names: c.5036G>A, p.Gly1679Glu (NM_170724.3); short protein forms G1679E.
Identifiers: ClinVar variation 3050008 (VCV003050008.2), dbSNP rs745971604, ClinGen allele CA3852626.

ClinVar aggregate classification (germline): Uncertain significance (0 of 4 stars; one submission).

Conditions:
PKHD1-related disorder. Also called: PKHD1-related condition.

Allele frequency attached by ClinVar (database versions not stated): TOPMed below 0.00001; gnomAD 0.00001; ExAC 0.00002.
gnomAD v4.1: 23 of 1,614,002 alleles (0.0014%); highest among the groups gnomAD compares: South Asian, 0.0066%; no homozygotes.

Submission:

PreventionGenetics, part of Exact Sciences
Classification: Uncertain significance for PKHD1-related condition. Last evaluated: 2024-02-29. Review status: no assertion criteria provided. Collection method: clinical testing. Allele origin: germline.
Comment: The PKHD1 c.5036G>A variant is predicted to result in the amino acid substitution p.Gly1679Glu. To our knowledge, this variant has not been reported in the literature. This variant is reported in 0.0054% of alleles in individuals of East Asian descent in gnomAD. At this time, the clinical significance of this variant is uncertain due to the absence of conclusive functional and genetic evidence.